The following is an entry in ClinVar:

NM_000081.4(LYST):c.4488G>T (p.Lys1496Asn)

Gene: LYST (lysosomal trafficking regulator; minus strand). Cytogenetic location: 1q42.3.
Variant type: single nucleotide variant.
Coding change: c.4488G>T on transcript NM_000081.4 (MANE Select); coding-DNA position 4488, G replaced by T.
Protein change: p.Lys1496Asn; replaces lysine 1496 with asparagine.
Molecular consequence: missense variant.
Genome position (GRCh38, 1-based): chr1:235,791,754, C>A on the plus strand (G>T on the coding strand, the complement: LYST is on the minus strand). VCF-style: chr1-235791754-C-A. GRCh37 (hg19) VCF-style: chr1-235955054-C-A.
Other names: c.4488G>T, p.Lys1496Asn (NM_001301365.1); short protein forms K1496N.
Identifiers: ClinVar variation 2080161 (VCV002080161.4), dbSNP rs1671021516, ClinGen allele CA344959225.

ClinVar aggregate classification (germline): Uncertain significance (1 of 4 stars; one submission).

Conditions:
Chédiak-Higashi syndrome (CHS). Also called: Chediak-Higashi Syndrome. Identifiers: Orphanet 167, MedGen C0007965, MONDO:0008963, OMIM 214500.

Allele frequency attached by ClinVar (database versions not stated): TOPMed below 0.00001; gnomAD 0.00001.

Submission:

Labcorp Genetics (formerly Invitae), Labcorp
Classification: Uncertain significance for Chédiak-Higashi syndrome. Last evaluated: 2022-01-11. Review status: criteria provided, single submitter. Criteria: Invitae Variant Classification Sherloc (09022015). Collection method: clinical testing. Allele origin: germline.
Comment: Algorithms developed to predict the effect of missense changes on protein structure and function output the following: SIFT: "Tolerated"; PolyPhen-2: "Benign"; Align-GVGD: "Class C0". The asparagine amino acid residue is found in multiple mammalian species, which suggests that this missense change does not adversely affect protein function. This variant has not been reported in the literature in individuals affected with LYST-related conditions. This variant is not present in population databases (gnomAD no frequency). This sequence change replaces lysine, which is basic and polar, with asparagine, which is neutral and polar, at codon 1496 of the LYST protein (p.Lys1496Asn). In summary, the available evidence is currently insufficient to determine the role of this variant in disease. Therefore, it has been classified as a Variant of Uncertain Significance.